The following is an entry in ClinVar:

NM_152564.5(VPS13B):c.10497T>G (p.Phe3499Leu)

Gene: VPS13B (vacuolar protein sorting 13 homolog B; plus strand). Cytogenetic location: 8q22.2.
Variant type: single nucleotide variant.
Coding change: c.10497T>G on transcript NM_152564.5 (MANE Select); coding-DNA position 10497, T replaced by G.
Protein change: p.Phe3499Leu; replaces phenylalanine 3499 with leucine.
Molecular consequence: missense variant.
Genome position (GRCh38, 1-based): chr8:99,853,886, T>G. VCF-style: chr8-99853886-T-G. GRCh37 (hg19) VCF-style: chr8-100866114-T-G.
Other names: c.10572T>G (NM_017890.3); c.10497T>G (NM_152564.4); c.10572T>G, p.Phe3524Leu (NM_017890.5); short protein forms F3499L, F3524L.
Identifiers: ClinVar variation 1444172 (VCV001444172.8), dbSNP rs781420614, ClinGen allele CA4824956.

ClinVar aggregate classification (germline): Uncertain significance. Review status: criteria provided, multiple submitters, no conflicts (2 of 4 stars). 4 submissions from 4 submitters: Uncertain significance (4). Last evaluated 2026-04-03.

Conditions:
Cohen syndrome (COH1). Also called: PEPPER SYNDROME; Cutis verticis gyrata, retinitis pigmentosa, and sensorineural deafness. Identifiers: Orphanet 193, MedGen C0265223, MONDO:0008999, OMIM 216550.
VPS13B-related disorder. Also called: VPS13B-related condition.
Inborn genetic diseases. Identifiers: MedGen C0950123, MeSH D030342.

gnomAD v4.1: 32 of 1,614,122 alleles (0.002%); highest among the groups gnomAD compares: Admixed American, 0.052%; no homozygotes.

Submissions (4):

PreventionGenetics, part of Exact Sciences
Classification: Uncertain significance for VPS13B-related condition. Last evaluated: 2026-04-03. Review status: criteria provided, single submitter. Criteria: ACMG Guidelines, 2015. Collection method: clinical testing. Allele origin: germline.
Comment: The VPS13B c.10497T>G variant is predicted to result in the amino acid substitution p.Phe3499Leu. This variant can also be described as c.10572T>G (p.Phe3524Leu) using an alternate transcript (NM_017890). To our knowledge, this variant has not been reported in the literature. This variant is reported in 0.087% of alleles in individuals of Latino descent in gnomAD, which is likely too common for an undocumented disease-causing variant. Although we suspect that this variant may be benign, at this time, the clinical significance of this variant is uncertain due to the absence of conclusive functional and genetic evidence.

Women's Health and Genetics/Laboratory Corporation of America, LabCorp
Classification: Uncertain significance. Last evaluated: 2026-01-23. Review status: criteria provided, single submitter. Criteria: LabCorp Variant Classification Summary - May 2015. Collection method: clinical testing. Allele origin: germline.

Ambry Genetics
Classification: Uncertain significance for Inborn genetic diseases. Last evaluated: 2022-09-08. Review status: criteria provided, single submitter. Criteria: Ambry Variant Classification Scheme 2023. Collection method: clinical testing. Allele origin: germline.

Labcorp Genetics (formerly Invitae), Labcorp
Classification: Uncertain significance for Cohen syndrome. Last evaluated: 2022-08-23. Review status: criteria provided, single submitter. Criteria: Invitae Variant Classification Sherloc (09022015). Collection method: clinical testing. Allele origin: germline.
Comment: This sequence change replaces phenylalanine with leucine at codon 3524 of the VPS13B protein (p.Phe3524Leu). The phenylalanine residue is highly conserved and there is a small physicochemical difference between phenylalanine and leucine. This variant is present in population databases (rs781420614, gnomAD 0.09%). This variant has not been reported in the literature in individuals affected with VPS13B-related conditions. ClinVar contains an entry for this variant (Variation ID: 1444172). Algorithms developed to predict the effect of missense changes on protein structure and function are either unavailable or do not agree on the potential impact of this missense change (SIFT: "Not Available"; PolyPhen-2: "Benign"; Align-GVGD: "Not Available"). In summary, the available evidence is currently insufficient to determine the role of this variant in disease. Therefore, it has been classified as a Variant of Uncertain Significance.